The following is an entry in ClinVar:

ClinVar aggregate classification (germline): Uncertain significance (1 of 4 stars; one submission).

Allele frequency attached by ClinVar (database versions not stated): gnomAD 0.00001; TOPMed 0.00001.

Submission:

Labcorp Genetics (formerly Invitae), Labcorp
Classification: Uncertain significance. Last evaluated: 2024-12-09. Review status: criteria provided, single submitter. Criteria: Invitae Variant Classification Sherloc (09022015). Collection method: clinical testing. Allele origin: germline.
Comment: This sequence change replaces cysteine, which is neutral and slightly polar, with serine, which is neutral and polar, at codon 630 of the ZNF335 protein (p.Cys630Ser). This variant is present in population databases (no rsID available, gnomAD 0.003%). This variant has not been reported in the literature in individuals affected with ZNF335-related conditions. ClinVar contains an entry for this variant (Variation ID: 1468566). Invitae Evidence Modeling of protein sequence and biophysical properties (such as structural, functional, and spatial information, amino acid conservation, physicochemical variation, residue mobility, and thermodynamic stability) indicates that this missense variant is not expected to disrupt ZNF335 protein function with a negative predictive value of 80%. In summary, the available evidence is currently insufficient to determine the role of this variant in disease. Therefore, it has been classified as a Variant of Uncertain Significance.

NM_022095.4(ZNF335):c.1889G>C (p.Cys630Ser)

Gene: ZNF335 (zinc finger protein 335; minus strand). Cytogenetic location: 20q13.12.
Variant type: single nucleotide variant.
Coding change: c.1889G>C on transcript NM_022095.4 (MANE Select); coding-DNA position 1889, G replaced by C.
Protein change: p.Cys630Ser; replaces cysteine 630 with serine.
Molecular consequence: missense variant.
Genome position (GRCh38, 1-based): chr20:45,960,339, C>G on the plus strand (G>C on the coding strand, the complement: ZNF335 is on the minus strand). VCF-style: chr20-45960339-C-G. GRCh37 (hg19) VCF-style: chr20-44588978-C-G.
Other names: short protein forms C630S.
Identifiers: ClinVar variation 1468566 (VCV001468566.6), dbSNP rs1247082594, ClinGen allele CA409246092.